The following is an entry in ClinVar:

NM_000264.5(PTCH1):c.431_438del (p.Arg144fs)

Gene: PTCH1 (patched 1; minus strand). Cytogenetic location: 9q22.32.
Variant type: Deletion.
Coding change: c.431_438del on transcript NM_000264.5 (MANE Select); coding-DNA positions 431 to 438, 8 bases deleted (GCCAGAAG; older notation c.431_438delGCCAGAAG).
Protein change: p.Arg144fs; shifts the reading frame from arginine 144.
Molecular consequence: frameshift variant. On other transcripts: 5 prime UTR variant (4), non-coding transcript variant (1).
Genome position (GRCh38, 1-based): chr9:95,485,831-95,485,838, CTTCTGGC deleted on the plus strand (GCCAGAAG on the coding strand, the reverse complement: PTCH1 is on the minus strand). VCF-style (leftmost placement, unchanged base first): chr9-95485830-TCTTCTGGC-T. GRCh37 (hg19) VCF-style: chr9-98248112-TCTTCTGGC-T.
Other names: c.233_240del, p.Arg78fs (NM_001083602.3, NM_001354919.2); c.428_435del, p.Arg143fs (NM_001083603.3); c.-23_-16del (NM_001083604.3, NM_001083605.3, NM_001083606.3 and 1 more transcripts); c.431_438del, p.Arg144fs (NM_001354918.2); short protein forms R143fs, R144fs, R78fs.
Identifiers: ClinVar variation 1073025 (VCV001073025.7), dbSNP rs2118548727, ClinGen allele CA916079780.

ClinVar aggregate classification (germline): Pathogenic (1 of 4 stars; one submission).

Conditions:
Gorlin syndrome. Also called: Basal cell nevus syndrome; Nevoid Basal Cell Carcinoma Syndrome. Identifiers: Orphanet 377, MedGen C0004779, MONDO:0007187.

Submission:

Labcorp Genetics (formerly Invitae), Labcorp
Classification: Pathogenic for Gorlin syndrome. Last evaluated: 2020-03-05. Review status: criteria provided, single submitter. Criteria: Invitae Variant Classification Sherloc (09022015). Collection method: clinical testing. Allele origin: germline.
Comment: This sequence change creates a premature translational stop signal (p.Arg144Hisfs*8) in the PTCH1 gene. It is expected to result in an absent or disrupted protein product. This variant is not present in population databases (ExAC no frequency). This variant has not been reported in the literature in individuals with PTCH1-related conditions. Loss-of-function variants in PTCH1 are known to be pathogenic (PMID: 16301862, 16419085). For these reasons, this variant has been classified as Pathogenic.

Literature cited by the submitters: PubMed 16301862; PubMed 16419085.